The following is an entry in ClinVar:

NM_013254.4(TBK1):c.992+1G>A

Gene: TBK1 (TANK binding kinase 1; plus strand). Cytogenetic location: 12q14.2.
Variant type: single nucleotide variant.
Coding change: c.992+1G>A on transcript NM_013254.4 (MANE Select); the canonical splice donor site of the intron after coding-DNA position 992, G replaced by A.
Molecular consequence: splice donor variant.
Genome position (GRCh38, 1-based): chr12:64,482,022, G>A. VCF-style: chr12-64482022-G-A. GRCh37 (hg19) VCF-style: chr12-64875802-G-A.
Identifiers: ClinVar variation 807707 (VCV000807707.17), dbSNP rs1341055534, ClinGen allele CA385599596.
Genomic context (GRCh38, chr12:64,482,022, plus strand): 5'-TCATGTTTTTTCGCTACAACAAATGACAGCTCATAAGATTTATATTCATAGCTATAATAC[G>A]TAAGTATCTCTATTTTCTTCTTGTATCAACATGTTCTGTTATATAATATTTTCCTAAGTT-3'

ClinVar aggregate classification (germline): Pathogenic. Review status: criteria provided, multiple submitters, no conflicts (2 of 4 stars). 4 submissions from 4 submitters: Pathogenic (4). Last evaluated 2025-08-11.

Conditions:
Frontotemporal dementia and/or amyotrophic lateral sclerosis 4. Also called: FTDALS4. Identifiers: Orphanet 275872, MedGen C4225325, MONDO:0014641, OMIM 616439.
Encephalopathy, acute, infection-induced (herpes-specific), susceptibility to, 8. Also called: HERPES SIMPLEX ENCEPHALITIS, SUSCEPTIBILITY TO, 6. Identifiers: MedGen C4693542, MONDO:0054754, OMIM 617900.
Amyotrophic lateral sclerosis (ALS). Also called: Charcot disease; Lou Gehrig disease. Identifiers: Orphanet 803, MedGen C0002736, MONDO:0004976, HP:0007354.

Allele frequency attached by ClinVar (database versions not stated): TOPMed below 0.00001; gnomAD exomes 0.00001.
gnomAD v4.1: 9 of 1,512,246 alleles (0.0006%); highest among the groups gnomAD compares: Non-Finnish European, 0.0008%; no homozygotes.

Submissions (5):

Labcorp Genetics (formerly Invitae), Labcorp
Classification: Pathogenic for Frontotemporal dementia and/or amyotrophic lateral sclerosis 4. Last evaluated: 2025-08-11. Review status: criteria provided, single submitter. Criteria: Invitae Variant Classification Sherloc (09022015). Collection method: clinical testing. Allele origin: germline.
Comment: This sequence change affects a donor splice site in intron 8 of the TBK1 gene. RNA analysis indicates that disruption of this splice site induces altered splicing and may result in an absent or altered protein product. The frequency data for this variant in the population databases is considered unreliable, as metrics indicate poor data quality at this position in the gnomAD database. Disruption of this splice site has been observed in individuals with amyotrophic lateral sclerosis (PMID: 30033073, 31244341). It has also been observed to segregate with disease in related individuals. ClinVar contains an entry for this variant (Variation ID: 807707). Studies have shown that disruption of this splice site results in exon 8 skipping, and produces a non-functional protein and/or introduces a premature termination codon (PMID: 31244341). For these reasons, this variant has been classified as Pathogenic.

Institute of Medical Genetics and Applied Genomics, University Hospital Tübingen
Classification: Pathogenic for Amyotrophic lateral sclerosis. Last evaluated: 2023-10-05. Review status: criteria provided, single submitter. Criteria: ACMG Guidelines, 2015. Collection method: clinical testing. Allele origin: germline. Inheritance: Autosomal dominant inheritance. Affected: yes.

Centre for Mendelian Genomics, University Medical Centre Ljubljana
Classification: Pathogenic for Encephalopathy, acute, infection-induced (herpes-specific), susceptibility to, 8. Last evaluated: 2018-10-26. Review status: criteria provided, single submitter. Criteria: ACMG Guidelines, 2015. Collection method: clinical testing. Allele origin: unknown. Affected: yes.
Comment: This variant was classified as: Pathogenic. The following ACMG criteria were applied in classifying this variant: PVS1,PP3,PP5.

Institute of Human Genetics Munich, TUM University Hospital
Classification: Pathogenic for Frontotemporal dementia and/or amyotrophic lateral sclerosis 4. Last evaluated: 2018-01-08. Review status: criteria provided, single submitter. Criteria: Classification criteria August 2017. Collection method: clinical testing. Allele origin: germline. Inheritance: Autosomal dominant inheritance. Affected: yes. Observed: 1 heterozygote.

Dr. Peter K. Rogan Lab, Western University
No classification provided (evidence only). Condition: Papillary renal cell carcinoma type 1. Review status: no classification provided. Collection method: in vitro. Allele origin: not applicable. Functional consequence: skipped exon. Not counted in ClinVar's aggregate classification.

Literature cited by the submitters: PubMed 30033073 (cited by Labcorp Genetics (formerly Invitae), Labcorp); PubMed 31244341 (cited by Labcorp Genetics (formerly Invitae), Labcorp).